The following is an entry in ClinVar:

ClinVar aggregate classification (germline): Uncertain significance (1 of 4 stars; one submission).

Conditions:
ATP8B1-related disorder. Also called: ATP8B1-related disorders; ATP8B1-related condition.

gnomAD v4.1: 4 of 1,612,254 alleles (0.00025%); no homozygotes.

Submission:

PreventionGenetics, part of Exact Sciences
Classification: Uncertain significance for ATP8B1-related condition. Last evaluated: 2026-06-27. Review status: criteria provided, single submitter. Criteria: ACMG Guidelines, 2015. Collection method: clinical testing. Allele origin: germline.
Comment: The ATP8B1 c.2176A>C variant is predicted to result in the amino acid substitution p.Ile726Leu. To our knowledge, this variant has not been reported in the literature. This variant is reported in 0.0% of alleles in individuals of African descent in gnomAD. At this time, the clinical significance of this variant is uncertain due to the absence of conclusive functional and genetic evidence.

NM_001374385.1(ATP8B1):c.2176A>C (p.Ile726Leu)

Genes: ATP8B1 (ATPase phospholipid transporting 8B1; minus strand), ATP8B1-AS1 (ATP8B1 antisense RNA 1; plus strand). Cytogenetic location: 18q21.31.
Variant type: single nucleotide variant.
Coding change: c.2176A>C on transcript NM_001374385.1 (MANE Select); coding-DNA position 2176, A replaced by C.
Protein change: p.Ile726Leu; replaces isoleucine 726 with leucine.
Molecular consequence: missense variant. On other transcripts: non-coding transcript variant (1).
Genome position (GRCh38, 1-based): chr18:57,668,462, T>G on the plus strand (A>C on the coding strand, the complement: ATP8B1 is on the minus strand). VCF-style: chr18-57668462-T-G. GRCh37 (hg19) VCF-style: chr18-55335694-T-G.
Other names: c.2026A>C, p.Ile676Leu (NM_001374386.1); c.2176A>C, p.Ile726Leu (NM_005603.6); short protein forms I676L, I726L.
Identifiers: ClinVar variation 4988325 (VCV004988325.1).